The following is an entry in ClinVar:

NM_015884.4(MBTPS2):c.999A>T (p.Glu333Asp)

Gene: MBTPS2 (membrane bound transcription factor peptidase, site 2; plus strand). Cytogenetic location: Xp22.12.
Variant type: single nucleotide variant.
Coding change: c.999A>T on transcript NM_015884.4 (MANE Select); coding-DNA position 999, A replaced by T.
Protein change: p.Glu333Asp; replaces glutamic acid 333 with aspartic acid.
Molecular consequence: missense variant.
Genome position (GRCh38, 1-based): chrX:21,878,070, A>T. VCF-style: chrX-21878070-A-T. GRCh37 (hg19) VCF-style: chrX-21896188-A-T.
Other names: short protein forms E333D.
Identifiers: ClinVar variation 3669881 (VCV003669881.2).
Genomic context (GRCh38, chrX:21,878,070, plus strand): 5'-GAGACTCTAATAAACAGTGTATTTCTCTTTAGCATACAAACGACTAGATGGTTCAACTGA[A>T]TGCTGTAACAATCACAGCCTCACAGATGTGTGCTTTTCCTACAGAAATAATTTTAATAAG-3'
Protein context (NP_056968.1, residues 323-343): RAYKRLDGST[Glu333Asp]CCNNHSLTDV

ClinVar aggregate classification (germline): Uncertain significance (1 of 4 stars; one submission).

Submission:

Labcorp Genetics (formerly Invitae), Labcorp
Classification: Uncertain significance. Last evaluated: 2025-03-29. Review status: criteria provided, single submitter. Criteria: Invitae Variant Classification Sherloc (09022015). Collection method: clinical testing. Allele origin: germline.
Comment: This sequence change replaces glutamic acid, which is acidic and polar, with aspartic acid, which is acidic and polar, at codon 333 of the MBTPS2 protein (p.Glu333Asp). This variant is not present in population databases (gnomAD no frequency). This variant has not been reported in the literature in individuals affected with MBTPS2-related conditions. Invitae Evidence Modeling of protein sequence and biophysical properties (such as structural, functional, and spatial information, amino acid conservation, physicochemical variation, residue mobility, and thermodynamic stability) indicates that this missense variant is not expected to disrupt MBTPS2 protein function with a negative predictive value of 95%. In summary, the available evidence is currently insufficient to determine the role of this variant in disease. Therefore, it has been classified as a Variant of Uncertain Significance.